The following is an entry in ClinVar:

NM_006790.3(MYOT):c.563G>A (p.Arg188Lys)

Genes: MYOT (myotilin; plus strand), PKD2L2-DT (PKD2L2 divergent transcript; minus strand). Cytogenetic location: 5q31.2.
Variant type: single nucleotide variant.
Coding change: c.563G>A on transcript NM_006790.3 (MANE Select); coding-DNA position 563, G replaced by A.
Protein change: p.Arg188Lys; replaces arginine 188 with lysine.
Molecular consequence: missense variant.
Genome position (GRCh38, 1-based): chr5:137,877,551, G>A. VCF-style: chr5-137877551-G-A. GRCh37 (hg19) VCF-style: chr5-137213240-G-A.
Other names: c.11G>A, p.Arg4Lys (NM_001135940.2); c.218G>A, p.Arg73Lys (NM_001300911.2); short protein forms R188K, R4K, R73K.
Identifiers: ClinVar variation 2433995 (VCV002433995.6), dbSNP rs370165036, ClinGen allele CA3422953.

ClinVar aggregate classification (germline): Uncertain significance. Review status: criteria provided, multiple submitters, no conflicts (2 of 4 stars). 3 submissions from 3 submitters: Uncertain significance (3). Last evaluated 2025-11-24.

Conditions:
Inborn genetic diseases. Identifiers: MedGen C0950123, MeSH D030342.
Myofibrillar myopathy 3 (MFM3). Also called: Muscular dystrophy, proximal, type 1A; Autosomal dominant spheroid body myopathy. Identifiers: Orphanet 266, Orphanet 268129, MedGen C3714934, MONDO:0012215, OMIM 609200.

Allele frequency attached by ClinVar (database versions not stated): ESP Exome Variant Server 0.00008.

Submissions (3):

Ambry Genetics
Classification: Uncertain significance for Inborn genetic diseases. Last evaluated: 2025-11-24. Review status: criteria provided, single submitter. Criteria: Ambry Variant Classification Scheme 2023. Collection method: clinical testing. Allele origin: germline.

Labcorp Genetics (formerly Invitae), Labcorp
Classification: Uncertain significance for Myofibrillar myopathy 3. Last evaluated: 2025-01-29. Review status: criteria provided, single submitter. Criteria: Invitae Variant Classification Sherloc (09022015). Collection method: clinical testing. Allele origin: germline.
Comment: This sequence change replaces arginine, which is basic and polar, with lysine, which is basic and polar, at codon 188 of the MYOT protein (p.Arg188Lys). This variant is present in population databases (rs370165036, gnomAD 0.008%). This variant has not been reported in the literature in individuals affected with MYOT-related conditions. ClinVar contains an entry for this variant (Variation ID: 2433995). Invitae Evidence Modeling of protein sequence and biophysical properties (such as structural, functional, and spatial information, amino acid conservation, physicochemical variation, residue mobility, and thermodynamic stability) indicates that this missense variant is not expected to disrupt MYOT protein function with a negative predictive value of 80%. In summary, the available evidence is currently insufficient to determine the role of this variant in disease. Therefore, it has been classified as a Variant of Uncertain Significance.

Revvity Omics, Revvity
Classification: Uncertain significance for Myofibrillar myopathy 3. Last evaluated: 2021-04-16. Review status: criteria provided, single submitter. Criteria: ACMG Guidelines, 2015. Collection method: clinical testing. Allele origin: germline.